The following is an entry in ClinVar:

ClinVar aggregate classification (germline): Likely pathogenic (1 of 4 stars; one submission).

Allele frequency attached by ClinVar (database versions not stated): gnomAD exomes below 0.00001.
gnomAD v4.1: 2 of 1,613,930 alleles (0.00012%); highest among the groups gnomAD compares: Admixed American, 0.0033%; no homozygotes.

Submission:

Labcorp Genetics (formerly Invitae), Labcorp
Classification: Likely pathogenic. Last evaluated: 2022-02-27. Review status: criteria provided, single submitter. Criteria: Invitae Variant Classification Sherloc (09022015). Collection method: clinical testing. Allele origin: germline.
Comment: In summary, the currently available evidence indicates that the variant is pathogenic, but additional data are needed to prove that conclusively. Therefore, this variant has been classified as Likely Pathogenic. Algorithms developed to predict the effect of sequence changes on RNA splicing suggest that this variant may disrupt the consensus splice site. This variant has not been reported in the literature in individuals affected with TNFAIP3-related conditions. This variant is present in population databases (no rsID available, gnomAD 0.006%). This sequence change affects an acceptor splice site in intron 7 of the TNFAIP3 gene. It is expected to disrupt RNA splicing. Variants that disrupt the donor or acceptor splice site typically lead to a loss of protein function (PMID: 16199547), and loss-of-function variants in TNFAIP3 are known to be pathogenic (PMID: 26642243).

Literature cited by the submitters: PubMed 16199547; PubMed 26642243.

NM_001270508.2(TNFAIP3):c.1907-2A>C

Gene: TNFAIP3 (TNF alpha induced protein 3; plus strand). Cytogenetic location: 6q23.3.
Variant type: single nucleotide variant.
Coding change: c.1907-2A>C on transcript NM_001270508.2 (MANE Select); the canonical splice acceptor site of the intron before coding-DNA position 1907, A replaced by C.
Molecular consequence: splice acceptor variant.
Genome position (GRCh38, 1-based): chr6:137,880,069, A>C. VCF-style: chr6-137880069-A-C. GRCh37 (hg19) VCF-style: chr6-138201206-A-C.
Other names: c.1907-2A>C (NM_001270507.2, NM_006290.4).
Identifiers: ClinVar variation 2103964 (VCV002103964.4), dbSNP rs1218307301, ClinGen allele CA365794643.